The following is an entry in ClinVar:

ClinVar aggregate classification (germline): Conflicting classifications of pathogenicity. Review status: criteria provided, conflicting classifications (1 of 4 stars). 4 submissions from 4 submitters: Uncertain significance (2); Likely benign (2). Last evaluated 2025-06-26.

Allele frequency attached by ClinVar (database versions not stated): ESP Exome Variant Server 0.00015; 1000 Genomes Project 30x 0.00016.
gnomAD v4.1: 281 of 1,613,956 alleles (0.017%); highest among the groups gnomAD compares: Non-Finnish European, 0.022%; 1 homozygote.

Submissions (4):

Labcorp Genetics (formerly Invitae), Labcorp
Classification: Uncertain significance. Last evaluated: 2025-06-26. Review status: criteria provided, single submitter. Criteria: Invitae Variant Classification Sherloc (09022015). Collection method: clinical testing. Allele origin: germline.
Comment: This variant occurs in a non-coding region of the EPB41 gene. It does not change the encoded amino acid sequence of the EPB41 protein. This variant is present in population databases (rs142705709, gnomAD 0.03%). This variant has not been reported in the literature in individuals affected with EPB41-related conditions. ClinVar contains an entry for this variant (Variation ID: 2638582). In summary, the available evidence is currently insufficient to determine the role of this variant in disease. Therefore, it has been classified as a Variant of Uncertain Significance.

CeGaT Center for Human Genetics Tuebingen
Classification: Likely benign. Last evaluated: 2025-02-01. Review status: criteria provided, single submitter. Criteria: CeGaT Center For Human Genetics Tuebingen Variant Classification Criteria Version 2. Collection method: clinical testing. Allele origin: germline. Affected: yes. Observed: 2 variant alleles.
Comment: EPB41: BP4, BP7

Blueprint Genetics
Classification: Uncertain significance. Last evaluated: 2024-11-01. Review status: criteria provided, single submitter. Criteria: ACMG Guidelines, 2015. Collection method: clinical testing. Allele origin: germline.

Breakthrough Genomics
Classification: Likely benign. Review status: criteria provided, single submitter. Criteria: ACMG Guidelines, 2015. Collection method: not provided. Allele origin: germline. Inheritance: Autosomal dominant inheritance. Affected: yes.

NM_001376013.1(EPB41):c.33C>G (p.Ala11=)

Gene: EPB41 (erythrocyte membrane protein band 4.1; plus strand). Cytogenetic location: 1p35.3.
Variant type: single nucleotide variant.
Coding change: c.33C>G on transcript NM_001376013.1 (MANE Select); coding-DNA position 33, C replaced by G.
Protein change: p.Ala11=; no amino-acid change (alanine 11 retained).
Molecular consequence: synonymous variant. On other transcripts: 5 prime UTR variant (10).
Genome position (GRCh38, 1-based): chr1:28,987,470, C>G. VCF-style: chr1-28987470-C-G. GRCh37 (hg19) VCF-style: chr1-29313982-C-G.
Other names: c.33C>G, p.Ala11= (NM_001166005.2, NM_001166006.2, NM_001376014.1 and 8 more transcripts); c.-595C>G (NM_001166007.2, NM_001376022.1, NM_001376023.1 and 5 more transcripts); c.-675C>G (NM_004437.4, NM_203342.3).
Identifiers: ClinVar variation 2638582 (VCV002638582.27), dbSNP rs142705709, ClinGen allele CA724148.